The following is an entry in ClinVar:

ClinVar aggregate classification (germline): Uncertain significance (1 of 4 stars; one submission).

Conditions:
Neuropathy, hereditary sensory, type 2C. Also called: Hereditary sensory and autonomic neuropathy type IIC; KIF1A-Related HSAN2 (HSAN2C). Identifiers: Orphanet 970, MedGen C3280168, MONDO:0013634, OMIM 614213.
Intellectual disability, autosomal dominant 9 (NESCAVS). Also called: NESCAV SYNDROME; KIF1A-Related Neurodevelopmental Disorder. Identifiers: Orphanet 662367, MedGen C5393830, MONDO:0013656, OMIM 614255.
Hereditary spastic paraplegia 30. Identifiers: Orphanet 101010, MedGen C5235139, MONDO:0012476.

Allele frequency attached by ClinVar (database versions not stated): ExAC 0.00001; gnomAD 0.00001; TOPMed 0.00001.
gnomAD v4.1: 15 of 1,611,502 alleles (0.00093%); highest among the groups gnomAD compares: South Asian, 0.0022%; no homozygotes.

Submission:

Labcorp Genetics (formerly Invitae), Labcorp
Classification: Uncertain significance for Hereditary spastic paraplegia 30; Neuropathy, hereditary sensory, type 2C; Intellectual disability, autosomal dominant 9. Last evaluated: 2022-01-07. Review status: criteria provided, single submitter. Criteria: Invitae Variant Classification Sherloc (09022015). Collection method: clinical testing. Allele origin: germline.
Comment: In summary, the available evidence is currently insufficient to determine the role of this variant in disease. Therefore, it has been classified as a Variant of Uncertain Significance. Advanced modeling of protein sequence and biophysical properties (such as structural, functional, and spatial information, amino acid conservation, physicochemical variation, residue mobility, and thermodynamic stability) performed at Invitae indicates that this missense variant is not expected to disrupt KIF1A protein function. This variant has not been reported in the literature in individuals affected with KIF1A-related conditions. This variant is present in population databases (rs768492405, gnomAD 0.003%). This sequence change replaces valine, which is neutral and non-polar, with methionine, which is neutral and non-polar, at codon 1092 of the KIF1A protein (p.Val1092Met).

NM_001244008.2(KIF1A):c.3577G>A (p.Val1193Met)

Gene: KIF1A (kinesin family member 1A; minus strand). Cytogenetic location: 2q37.3.
Variant type: single nucleotide variant.
Coding change: c.3577G>A on transcript NM_001244008.2 (MANE Select); coding-DNA position 3577, G replaced by A.
Protein change: p.Val1193Met; replaces valine 1193 with methionine.
Molecular consequence: missense variant.
Genome position (GRCh38, 1-based): chr2:240,743,949, C>T on the plus strand (G>A on the coding strand, the complement: KIF1A is on the minus strand). VCF-style: chr2-240743949-C-T. GRCh37 (hg19) VCF-style: chr2-241683366-C-T.
Other names: c.3301G>A, p.Val1101Met (NM_001320705.2, NM_001330289.2, NM_001379638.1); c.3376G>A, p.Val1126Met (NM_001330290.2, NM_001379634.1, NM_001379635.1 and 1 more transcripts); c.3652G>A, p.Val1218Met (NM_001379631.1); c.3526G>A, p.Val1176Met (NM_001379632.1); c.3550G>A, p.Val1184Met (NM_001379633.1, NM_001379642.1, NM_001379645.1); c.3274G>A, p.Val1092Met (NM_001379636.1, NM_001379639.1, NM_001379641.1 and 6 more transcripts); c.3349G>A, p.Val1117Met (NM_001379637.1, NM_001379648.1); c.3271G>A, p.Val1091Met (NM_001379640.1); short protein forms V1092M, V1117M, V1176M, V1091M, V1101M, V1184M, V1126M, V1193M.
Identifiers: ClinVar variation 2141237 (VCV002141237.4), dbSNP rs768492405, ClinGen allele CA2207774.